The following is an entry in ClinVar:

ClinVar aggregate classification (germline): Uncertain significance (1 of 4 stars; one submission).

Allele frequency attached by ClinVar (database versions not stated): gnomAD exomes below 0.00001.
gnomAD v4.1: 1 of 1,613,616 alleles (0.000062%); highest among the groups gnomAD compares: East Asian, 0.0022%; no homozygotes.

Submission:

Labcorp Genetics (formerly Invitae), Labcorp
Classification: Uncertain significance. Last evaluated: 2022-03-09. Review status: criteria provided, single submitter. Criteria: Invitae Variant Classification Sherloc (09022015). Collection method: clinical testing. Allele origin: germline.
Comment: Algorithms developed to predict the effect of missense changes on protein structure and function (SIFT, PolyPhen-2, Align-GVGD) all suggest that this variant is likely to be tolerated. This variant has not been reported in the literature in individuals affected with FREM1-related conditions. This variant is not present in population databases (gnomAD no frequency). This sequence change replaces lysine, which is basic and polar, with arginine, which is basic and polar, at codon 808 of the FREM1 protein (p.Lys808Arg). In summary, the available evidence is currently insufficient to determine the role of this variant in disease. Therefore, it has been classified as a Variant of Uncertain Significance.

NM_001379081.2(FREM1):c.2423A>G (p.Lys808Arg)

Gene: FREM1 (FRAS1 related extracellular matrix 1; minus strand). Cytogenetic location: 9p22.3.
Variant type: single nucleotide variant.
Coding change: c.2423A>G on transcript NM_001379081.2 (MANE Select); coding-DNA position 2423, A replaced by G.
Protein change: p.Lys808Arg; replaces lysine 808 with arginine.
Molecular consequence: missense variant. On other transcripts: non-coding transcript variant (2).
Genome position (GRCh38, 1-based): chr9:14,819,357, T>C on the plus strand (A>G on the coding strand, the complement: FREM1 is on the minus strand). VCF-style: chr9-14819357-T-C. GRCh37 (hg19) VCF-style: chr9-14819355-T-C.
Other names: c.2423A>G, p.Lys808Arg (NM_144966.7); short protein forms K808R.
Identifiers: ClinVar variation 2108042 (VCV002108042.4), dbSNP rs2537857756, ClinGen allele CA372955435.